The following is an entry in ClinVar:

ClinVar aggregate classification (germline): Pathogenic (1 of 4 stars; one submission).

Submission:

Quest Diagnostics Nichols Institute San Juan Capistrano
Classification: Pathogenic. Last evaluated: 2022-03-26. Review status: criteria provided, single submitter. Criteria: ACMG/ClinGen CNV Guidelines, 2019. Collection method: clinical testing. Allele origin: unknown.
Comment: The copy number loss of 7q22.2q22.3 involves multiple protein-coding genes, including KMT2E (OMIM 608444) and PUS7 (OMIM 616261). Hemizygous deletions and heterozygous sequence variants of KMT2E are associated with autosomal dominant O'Donnell-Luria-Rodan syndrome, which is a neurodevelopmental disorder characterized by global developmental delay, speech delay, variably delayed intellectual development, and subtle dysmorphic features. Some patients may have autism, seizures, hypotonia, and/or feeding difficulties (OMIM 618512, O'Donnell-Luria 2019). In addition, biallelic pathogenic variants of PUS7 are associated with autosomal recessive i ntellectual developmental disorder with abnormal behavior, microcephaly, and short stature (OMIM 618342). There are no similar copy number losses of this region in the general populations of the Database of Genomic Variants. Thus, the classification of this copy number variant (CNV) is pathogenic. References: O'Donnell-Luria et al . Am J Hum Genet. 2019;104(6):1210-22. PMID: 31079897. Velmans et al . J Med Genet. 2021 Jul 28:jmedgenet-2020-107470. doi: 10.1136/jmedgenet-2020-107470. Epub ahead of print. PMID: 34321323. Kosma et al . Mol Syndromol. 2021;12(5):321-6. PMID: 34602960.

GRCh37/hg19 7q22.2-22.3(chr7:104497480-105121286)x1

Genes: KMT2E (lysine methyltransferase 2E (inactive); plus strand), LHFPL3 (LHFPL tetraspan subfamily member 3; plus strand), PUS7 (pseudouridine synthase 7; minus strand), SRPK2 (SRSF protein kinase 2; minus strand). Cytogenetic location: 7q22.2-22.3.
Variant type: copy number loss.
Change: copy number 1 (one copy instead of two) of chr7:104,497,480-105,121,286 (623.8 kb, GRCh37 coordinates, 1-based), cytogenetic band 7q22.2-22.3.
Identifiers: ClinVar variation 1808606 (VCV001808606.1).